The following is an entry in ClinVar:

NM_000214.3(JAG1):c.2286C>T (p.Asn762=)

Gene: JAG1 (jagged canonical Notch ligand 1; minus strand). Cytogenetic location: 20p12.2.
Variant type: single nucleotide variant.
Coding change: c.2286C>T on transcript NM_000214.3 (MANE Select); coding-DNA position 2286, C replaced by T.
Protein change: p.Asn762=; no amino-acid change (asparagine 762 retained).
Molecular consequence: synonymous variant.
Genome position (GRCh38, 1-based): chr20:10,644,921, G>A on the plus strand (C>T on the coding strand, the complement: JAG1 is on the minus strand). VCF-style: chr20-10644921-G-A. GRCh37 (hg19) VCF-style: chr20-10625569-G-A.
Other names: c.2286C>T, p.Asn762= (LRG_1191t1).
Identifiers: ClinVar variation 263943 (VCV000263943.40), dbSNP rs144190443, ClinGen allele CA9764566.

ClinVar aggregate classification (germline): Conflicting classifications of pathogenicity. Review status: criteria provided, conflicting classifications (1 of 4 stars). 5 submissions from 5 submitters: Uncertain significance (1); Likely benign (4). Last evaluated 2026-01-26.

Conditions:
Cardiovascular phenotype. Identifiers: MedGen CN230736.
Alagille syndrome due to a JAG1 point mutation. Also called: HEPATIC DUCTULAR HYPOPLASIA, SYNDROMATIC; JAG1-Related Alagille Syndrome; Alagille Syndrome 1. Identifiers: Orphanet 261619, Orphanet 52, MedGen C1956125, MONDO:0016862, OMIM 118450.

Allele frequency attached by ClinVar (database versions not stated): gnomAD exomes 0.00006 and 0.00026; ExAC 0.00007; gnomAD 0.00011 and 0.00013; TOPMed 0.00016; ESP Exome Variant Server 0.00031.

Submissions (5):

Labcorp Genetics (formerly Invitae), Labcorp
Classification: Likely benign for Alagille syndrome due to a JAG1 point mutation. Last evaluated: 2026-01-26. Review status: criteria provided, single submitter. Criteria: Invitae Variant Classification Sherloc (09022015). Collection method: clinical testing. Allele origin: germline.

Blueprint Genetics
Classification: Likely benign. Last evaluated: 2024-10-16. Review status: criteria provided, single submitter. Criteria: ACMG Guidelines, 2015. Collection method: clinical testing. Allele origin: germline.

CeGaT Center for Human Genetics Tuebingen
Classification: Likely benign. Last evaluated: 2024-01-01. Review status: criteria provided, single submitter. Criteria: CeGaT Center For Human Genetics Tuebingen Variant Classification Criteria Version 2. Collection method: clinical testing. Allele origin: germline. Affected: yes. Observed: 1 variant allele.
Comment: JAG1: BP4, BP7

Eurofins Ntd Llc (ga)
Classification: Uncertain significance. Last evaluated: 2018-07-31. Review status: criteria provided, single submitter. Criteria: EGL ClinVar v180209 classification definitions. Collection method: clinical testing. Allele origin: germline. Observed: 1 variant allele, 1 heterozygote.

Ambry Genetics
Classification: Likely benign for Cardiovascular phenotype. Last evaluated: 2015-04-06. Review status: criteria provided, single submitter. Criteria: Ambry Variant Classification Scheme 2023. Collection method: clinical testing. Allele origin: germline.